The following is an entry in ClinVar:

NM_001032283.3(TMPO):c.565+1246T>C

Gene: TMPO (thymopoietin; plus strand). Cytogenetic location: 12q23.1.
Variant type: single nucleotide variant.
Coding change: c.565+1246T>C on transcript NM_001032283.3 (MANE Select); 1246 bases into the intron after coding-DNA position 565, T replaced by C.
Molecular consequence: intron variant. On other transcripts: missense variant (1).
Genome position (GRCh38, 1-based): chr12:98,533,084, T>C. VCF-style: chr12-98533084-T-C. GRCh37 (hg19) VCF-style: chr12-98926862-T-C.
Other names: c.827T>C, p.Leu276Ser (NM_003276.2); c.565+1246T>C (NM_001307975.2, NM_001032284.3); short protein forms L276S.
Identifiers: ClinVar variation 1418063 (VCV001418063.11), dbSNP rs144465114, ClinGen allele CA6732292.
Genomic context (GRCh38, chr12:98,533,084, plus strand): 5'-TTGTTGCCACAAACTTGCCTGGCAGGGGACAGTTGCAGAAGTTAGCCTCTGAAAGGAATT[T>C]GTTTATTTCATGCAAGTCTAGCCATGATAGGTGTTTAGAGAAAAGTTCTTCGTCATCTTC-3'

ClinVar aggregate classification (germline): Uncertain significance. Review status: criteria provided, multiple submitters, no conflicts (2 of 4 stars). 2 submissions from 2 submitters: Uncertain significance (2). Last evaluated 2025-07-21.

Conditions:
Loeys-Dietz syndrome 2 (LDS2). Also called: Marfan syndrome, type 2 (formerly); Marfan Syndrome type 2; Marfan like connective tissue disorder; MFS 2; TGFBR2-Related Loeys-Dietz Syndrome; AORTIC ANEURYSM, FAMILIAL THORACIC 3. Identifiers: Orphanet 284973, Orphanet 558, MedGen C2674574, MONDO:0012427, OMIM 610168.

Allele frequency attached by ClinVar (database versions not stated): gnomAD exomes below 0.00001; ExAC 0.00002; gnomAD 0.00002 and 0.00003; TOPMed 0.00002; ESP Exome Variant Server 0.00015.
gnomAD v4.1: 10 of 1,613,892 alleles (0.00062%); highest among the groups gnomAD compares: Non-Finnish European, 0.00076%; no homozygotes.

Submissions (2):

Ambry Genetics
Classification: Uncertain significance. Last evaluated: 2025-07-21. Review status: criteria provided, single submitter. Criteria: Ambry Variant Classification Scheme 2023. Collection method: clinical testing. Allele origin: germline.
Comment: The p.L276S variant (also known as c.827T>C), located in coding exon 4 of the TMPO gene, results from a T to C substitution at nucleotide position 827. The leucine at codon 276 is replaced by serine, an amino acid with dissimilar properties. This amino acid position is conserved. In addition, this alteration is predicted to be tolerated by in silico analysis. Since supporting evidence is limited at this time, the clinical significance of this alteration remains unclear.

Labcorp Genetics (formerly Invitae), Labcorp
Classification: Uncertain significance for Loeys-Dietz syndrome 2. Last evaluated: 2024-06-17. Review status: criteria provided, single submitter. Criteria: Invitae Variant Classification Sherloc (09022015). Collection method: clinical testing. Allele origin: germline.
Comment: This sequence change replaces leucine, which is neutral and non-polar, with serine, which is neutral and polar, at codon 276 of the TMPO protein (p.Leu276Ser). This variant is present in population databases (rs144465114, gnomAD 0.002%). This variant has not been reported in the literature in individuals affected with TMPO-related conditions. ClinVar contains an entry for this variant (Variation ID: 1418063). Advanced modeling of protein sequence and biophysical properties (such as structural, functional, and spatial information, amino acid conservation, physicochemical variation, residue mobility, and thermodynamic stability) performed at Invitae indicates that this missense variant is not expected to disrupt TMPO protein function with a negative predictive value of 80%. In summary, the available evidence is currently insufficient to determine the role of this variant in disease. Therefore, it has been classified as a Variant of Uncertain Significance.